The following is an entry in ClinVar:

ClinVar aggregate classification (germline): Uncertain significance (1 of 4 stars; one submission).

Allele frequency attached by ClinVar (database versions not stated): ExAC 0.00002; gnomAD exomes 0.00003; gnomAD 0.00006; TOPMed 0.00007; ESP Exome Variant Server 0.00008.

Submission:

Labcorp Genetics (formerly Invitae), Labcorp
Classification: Uncertain significance. Last evaluated: 2025-05-02. Review status: criteria provided, single submitter. Criteria: Invitae Variant Classification Sherloc (09022015). Collection method: clinical testing. Allele origin: germline.
Comment: This sequence change replaces arginine, which is basic and polar, with tryptophan, which is neutral and slightly polar, at codon 311 of the TOP1MT protein (p.Arg311Trp). This variant is present in population databases (rs375561204, gnomAD 0.009%). This variant has not been reported in the literature in individuals affected with TOP1MT-related conditions. ClinVar contains an entry for this variant (Variation ID: 2175570). Invitae Evidence Modeling of protein sequence and biophysical properties (such as structural, functional, and spatial information, amino acid conservation, physicochemical variation, residue mobility, and thermodynamic stability) indicates that this missense variant is expected to disrupt TOP1MT protein function with a positive predictive value of 80%. In summary, the available evidence is currently insufficient to determine the role of this variant in disease. Therefore, it has been classified as a Variant of Uncertain Significance.

NM_052963.3(TOP1MT):c.931C>T (p.Arg311Trp)

Gene: TOP1MT (DNA topoisomerase I mitochondrial; minus strand). Cytogenetic location: 8q24.3.
Variant type: single nucleotide variant.
Coding change: c.931C>T on transcript NM_052963.3 (MANE Select); coding-DNA position 931, C replaced by T.
Protein change: p.Arg311Trp; replaces arginine 311 with tryptophan.
Molecular consequence: missense variant.
Genome position (GRCh38, 1-based): chr8:143,324,028, G>A on the plus strand (C>T on the coding strand, the complement: TOP1MT is on the minus strand). VCF-style: chr8-143324028-G-A. GRCh37 (hg19) VCF-style: chr8-144406198-G-A.
Other names: c.637C>T, p.Arg213Trp (NM_001258446.1, NM_001258447.1); short protein forms R213W, R311W.
Identifiers: ClinVar variation 2175570 (VCV002175570.4), dbSNP rs375561204, ClinGen allele CA4908632.